The following is an entry in ClinVar:

NM_020964.3(EPG5):c.7266C>G (p.His2422Gln)

Gene: EPG5 (ectopic P-granules 5 autophagy tethering factor; minus strand). Cytogenetic location: 18q12.3.
Variant type: single nucleotide variant.
Coding change: c.7266C>G on transcript NM_020964.3 (MANE Select); coding-DNA position 7266, C replaced by G.
Protein change: p.His2422Gln; replaces histidine 2422 with glutamine.
Molecular consequence: missense variant.
Genome position (GRCh38, 1-based): chr18:45,858,029, G>C on the plus strand (C>G on the coding strand, the complement: EPG5 is on the minus strand). VCF-style: chr18-45858029-G-C. GRCh37 (hg19) VCF-style: chr18-43437994-G-C.
Other names: c.7266C>G (NM_020964.2); short protein forms H2422Q.
Identifiers: ClinVar variation 1042719 (VCV001042719.9), dbSNP rs2048553679, ClinGen allele CA402336139.

ClinVar aggregate classification (germline): Uncertain significance. Review status: criteria provided, multiple submitters, no conflicts (2 of 4 stars). 2 submissions from 2 submitters: Uncertain significance (2). Last evaluated 2026-01-26.

Conditions:
Vici syndrome (VICIS). Identifiers: Orphanet 1493, MedGen C1855772, MONDO:0009452, OMIM 242840.
Inborn genetic diseases. Identifiers: MedGen C0950123, MeSH D030342.

Submissions (2):

Labcorp Genetics (formerly Invitae), Labcorp
Classification: Uncertain significance for Vici syndrome. Last evaluated: 2026-01-26. Review status: criteria provided, single submitter. Criteria: Invitae Variant Classification Sherloc (09022015). Collection method: clinical testing. Allele origin: germline.
Comment: This sequence change replaces histidine, which is basic and polar, with glutamine, which is neutral and polar, at codon 2422 of the EPG5 protein (p.His2422Gln). This variant is not present in population databases (gnomAD no frequency). This variant has not been reported in the literature in individuals affected with EPG5-related conditions. ClinVar contains an entry for this variant (Variation ID: 1042719). Invitae Evidence Modeling of protein sequence and biophysical properties (such as structural, functional, and spatial information, amino acid conservation, physicochemical variation, residue mobility, and thermodynamic stability) indicates that this missense variant is expected to disrupt EPG5 protein function with a positive predictive value of 80%. In summary, the available evidence is currently insufficient to determine the role of this variant in disease. Therefore, it has been classified as a Variant of Uncertain Significance.

Ambry Genetics
Classification: Uncertain significance for Inborn genetic diseases. Last evaluated: 2024-04-08. Review status: criteria provided, single submitter. Criteria: Ambry Variant Classification Scheme 2023. Collection method: clinical testing. Allele origin: germline.